The following is an entry in ClinVar:

NM_000540.3(RYR1):c.7717G>A (p.Glu2573Lys)

Gene: RYR1 (ryanodine receptor 1; plus strand). Cytogenetic location: 19q13.2.
Variant type: single nucleotide variant.
Coding change: c.7717G>A on transcript NM_000540.3 (MANE Select); coding-DNA position 7717, G replaced by A.
Protein change: p.Glu2573Lys; replaces glutamic acid 2573 with lysine.
Molecular consequence: missense variant.
Genome position (GRCh38, 1-based): chr19:38,502,609, G>A. VCF-style: chr19-38502609-G-A. GRCh37 (hg19) VCF-style: chr19-38993249-G-A.
Other names: c.7717G>A, p.Glu2573Lys (NM_001042723.2); short protein forms E2573K.
Identifiers: ClinVar variation 4795479 (VCV004795479.1).

ClinVar aggregate classification (germline): Uncertain significance (1 of 4 stars; one submission).

gnomAD v4.1: 5 of 1,612,976 alleles (0.00031%); highest among the groups gnomAD compares: Non-Finnish European, 0.00042%; no homozygotes.

Submission:

GeneDx
Classification: Uncertain significance. Last evaluated: 2025-02-01. Review status: criteria provided, single submitter. Criteria: GeneDx Variant Classification Process June 2021. Collection method: clinical testing. Allele origin: germline. Affected: yes.
Comment: Not observed at significant frequency in large population cohorts (gnomAD); In silico analysis supports that this missense variant has a deleterious effect on protein structure/function; Has not been previously published as pathogenic or benign to our knowledge